The following is an entry in ClinVar:

NM_001048174.2(MUTYH):c.1135_1140del (p.Val379_Thr380del)

Gene: MUTYH (mutY DNA glycosylase; minus strand). Cytogenetic location: 1p34.1.
Variant type: Deletion.
Coding change: c.1135_1140del on transcript NM_001048174.2 (MANE Select); coding-DNA positions 1135 to 1140, 6 bases deleted (GTGACC; older notation c.1135_1140delGTGACC).
Protein change: p.Val379_Thr380del.
Molecular consequence: inframe deletion. On other transcripts: non-coding transcript variant (2).
Genome position (GRCh38, 1-based): chr1:45,331,519-45,331,524, GGTCAC deleted on the plus strand (GTGACC on the coding strand, the reverse complement: MUTYH is on the minus strand); deleting any 6 consecutive bases within chr1:45,331,519-45,331,526 gives the same sequence; the c. name uses the placement nearest the transcript's 3' end. VCF-style (leftmost placement, unchanged base first): chr1-45331518-AGGTCAC-A. GRCh37 (hg19) VCF-style: chr1-45797190-AGGTCAC-A.
Other names: c.1135_1140del, p.Val379_Thr380del (NM_001048171.2, NM_001048173.2, NM_001293195.2); c.1138_1143del, p.Val380_Thr381del (NM_001048172.2); c.1219_1224del, p.Val407_Thr408del (NM_001128425.2); c.1180_1185del, p.Val394_Thr395del (NM_001293190.2); c.1168_1173del, p.Val390_Thr391del (NM_001293191.2); c.859_864del, p.Val287_Thr288del (NM_001293192.2, NM_001293196.2); c.790_795del, p.Val264_Thr265del (NM_001350650.2, NM_001350651.2); c.1210_1215del, p.Val404_Thr405del (NM_012222.3).
Identifiers: ClinVar variation 1062573 (VCV001062573.9), dbSNP rs2149120850, ClinGen allele CA2499214760.

ClinVar aggregate classification (germline): Uncertain significance (1 of 4 stars; one submission).

Conditions:
Familial adenomatous polyposis 2. Also called: Adenomas, multiple colorectal; MUTYH Polyposis; COLORECTAL ADENOMATOUS POLYPOSIS, AUTOSOMAL RECESSIVE; ADENOMAS, MULTIPLE COLORECTAL, AUTOSOMAL RECESSIVE; FAP type 2; MUTYH-associated polyposis. Identifiers: Orphanet 220460, Orphanet 247798, MedGen C3272841, MONDO:0012041, OMIM 608456.

Submission:

Labcorp Genetics (formerly Invitae), Labcorp
Classification: Uncertain significance for Familial adenomatous polyposis 2. Last evaluated: 2020-05-29. Review status: criteria provided, single submitter. Criteria: Invitae Variant Classification Sherloc (09022015). Collection method: clinical testing. Allele origin: germline.
Comment: This variant, c.1219_1224del, results in the deletion of 2 amino acid(s) of the MUTYH protein (p.Val407_Thr408del), but otherwise preserves the integrity of the reading frame. This variant is not present in population databases (ExAC no frequency). This variant has not been reported in the literature in individuals with MUTYH-related conditions. Experimental studies and prediction algorithms are not available or were not evaluated, and the functional significance of this variant is currently unknown. In summary, the available evidence is currently insufficient to determine the role of this variant in disease. Therefore, it has been classified as a Variant of Uncertain Significance.